The following is an entry in ClinVar:

ClinVar aggregate classification (germline): Uncertain significance. Review status: criteria provided, multiple submitters, no conflicts (2 of 4 stars). 2 submissions from 2 submitters: Uncertain significance (2). Last evaluated 2023-11-18.

Conditions:
Charcot-Marie-Tooth disease type 2. Also called: Charcot-Marie-Tooth type 2. Identifiers: Orphanet 64746, MedGen C0270914, MONDO:0018993.

Allele frequency attached by ClinVar (database versions not stated): gnomAD 0.00001; TOPMed 0.00001.
gnomAD v4.1: 1 of 1,612,114 alleles (0.000062%); highest among the groups gnomAD compares: African/African-American, 0.0013%; no homozygotes.

Submissions (2):

Ambry Genetics
Classification: Uncertain significance. Last evaluated: 2023-11-18. Review status: criteria provided, single submitter. Criteria: Ambry Variant Classification Scheme 2023. Collection method: clinical testing. Allele origin: germline.
Comment: The p.T1338I variant (also known as c.4013C>T), located in coding exon 36 of the KIF1B gene, results from a C to T substitution at nucleotide position 4013. The threonine at codon 1338 is replaced by isoleucine, an amino acid with similar properties. This amino acid position is highly conserved in available vertebrate species. In addition, this alteration is predicted to be deleterious by in silico analysis. Since supporting evidence is limited at this time, the clinical significance of this alteration remains unclear.

Labcorp Genetics (formerly Invitae), Labcorp
Classification: Uncertain significance for Charcot-Marie-Tooth disease type 2. Last evaluated: 2023-11-08. Review status: criteria provided, single submitter. Criteria: Invitae Variant Classification Sherloc (09022015). Collection method: clinical testing. Allele origin: germline.
Comment: This sequence change replaces threonine, which is neutral and polar, with isoleucine, which is neutral and non-polar, at codon 1338 of the KIF1B protein (p.Thr1338Ile). This variant is not present in population databases (gnomAD no frequency). This variant has not been reported in the literature in individuals affected with KIF1B-related conditions. ClinVar contains an entry for this variant (Variation ID: 1737038). An algorithm developed to predict the effect of missense changes on protein structure and function (PolyPhen-2) suggests that this variant is likely to be disruptive. In summary, the available evidence is currently insufficient to determine the role of this variant in disease. Therefore, it has been classified as a Variant of Uncertain Significance.

NM_001365951.3(KIF1B):c.4151C>T (p.Thr1384Ile)

Gene: KIF1B (kinesin family member 1B; plus strand). Cytogenetic location: 1p36.22.
Variant type: single nucleotide variant.
Coding change: c.4151C>T on transcript NM_001365951.3 (MANE Select); coding-DNA position 4151, C replaced by T.
Protein change: p.Thr1384Ile; replaces threonine 1384 with isoleucine.
Molecular consequence: missense variant.
Genome position (GRCh38, 1-based): chr1:10,361,024, C>T. VCF-style: chr1-10361024-C-T. GRCh37 (hg19) VCF-style: chr1-10421082-C-T.
Other names: c.4151C>T, p.Thr1384Ile (NM_001365952.1); c.4013C>T, p.Thr1338Ile (NM_015074.3); short protein forms T1384I, T1338I.
Identifiers: ClinVar variation 1737038 (VCV001737038.5), dbSNP rs1638407976, ClinGen allele CA338316640.
Genomic context (GRCh38, chr1:10,361,024, plus strand): 5'-CTCTGCATAACTCCCTTCTTCTGAACCGAGTGACACCCTATGGAGAAAAGATCTACATGA[C>T]CTTGTCGGCCTACCTAGAGGTGAGGAGACTTGGAACTTCAGTTGATGCCAACAGTCAGCC-3'
Protein context (NP_001352880.1, residues 1374-1394): VTPYGEKIYM[Thr1384Ile]LSAYLELDHC